The following is an entry in ClinVar:

ClinVar aggregate classification (germline): Uncertain significance. Review status: criteria provided, multiple submitters, no conflicts (2 of 4 stars). 3 submissions from 3 submitters: Uncertain significance (3). Last evaluated 2023-10-03.

Conditions:
Microcephalic primordial dwarfism due to ZNF335 deficiency. Also called: Primary autosomal recessive microcephaly 10. Identifiers: Orphanet 329228, MedGen C3554499, MONDO:0014043, OMIM 615095.
Inborn genetic diseases. Identifiers: MedGen C0950123, MeSH D030342.

Allele frequency attached by ClinVar (database versions not stated): ESP Exome Variant Server 0.00008; TOPMed 0.00009.
gnomAD v4.1: 52 of 1,567,940 alleles (0.0033%); highest among the groups gnomAD compares: Admixed American, 0.072%; no homozygotes.

Submissions (3):

Labcorp Genetics (formerly Invitae), Labcorp
Classification: Uncertain significance. Last evaluated: 2023-10-03. Review status: criteria provided, single submitter. Criteria: Invitae Variant Classification Sherloc (09022015). Collection method: clinical testing. Allele origin: germline.
Comment: This sequence change replaces cysteine, which is neutral and slightly polar, with tyrosine, which is neutral and polar, at codon 964 of the ZNF335 protein (p.Cys964Tyr). This variant is present in population databases (rs148007831, gnomAD 0.09%). This variant has not been reported in the literature in individuals affected with ZNF335-related conditions. ClinVar contains an entry for this variant (Variation ID: 1029842). Advanced modeling of protein sequence and biophysical properties (such as structural, functional, and spatial information, amino acid conservation, physicochemical variation, residue mobility, and thermodynamic stability) performed at Invitae indicates that this missense variant is not expected to disrupt ZNF335 protein function. In summary, the available evidence is currently insufficient to determine the role of this variant in disease. Therefore, it has been classified as a Variant of Uncertain Significance.

Ambry Genetics
Classification: Uncertain significance for Inborn genetic diseases. Last evaluated: 2021-09-16. Review status: criteria provided, single submitter. Criteria: Ambry Variant Classification Scheme 2023. Collection method: clinical testing. Allele origin: germline.

Baylor Genetics
Classification: Uncertain significance for Microcephalic primordial dwarfism due to ZNF335 deficiency. Last evaluated: 2019-06-24. Review status: criteria provided, single submitter. Criteria: ACMG Guidelines, 2015. Collection method: clinical testing. Allele origin: unknown. Affected: yes.
Comment: This variant was determined to be of uncertain significance according to ACMG Guidelines, 2015 [PMID:25741868].

NM_022095.4(ZNF335):c.2891G>A (p.Cys964Tyr)

Gene: ZNF335 (zinc finger protein 335; minus strand). Cytogenetic location: 20q13.12.
Variant type: single nucleotide variant.
Coding change: c.2891G>A on transcript NM_022095.4 (MANE Select); coding-DNA position 2891, G replaced by A.
Protein change: p.Cys964Tyr; replaces cysteine 964 with tyrosine.
Molecular consequence: missense variant.
Genome position (GRCh38, 1-based): chr20:45,952,445, C>T on the plus strand (G>A on the coding strand, the complement: ZNF335 is on the minus strand). VCF-style: chr20-45952445-C-T. GRCh37 (hg19) VCF-style: chr20-44581084-C-T.
Other names: short protein forms C964Y.
Identifiers: ClinVar variation 1029842 (VCV001029842.5), dbSNP rs148007831, ClinGen allele CA9885213.